The following is an entry in ClinVar:

NM_020297.4(ABCC9):c.4513C>A (p.His1505Asn)

Genes: ABCC9 (ATP binding cassette subfamily C member 9; minus strand), KCNJ8-AS1 (KCNJ8 antisense RNA 1; plus strand). Cytogenetic location: 12p12.1.
Variant type: single nucleotide variant.
Coding change: c.4513C>A on transcript NM_020297.4 (MANE Select); coding-DNA position 4513, C replaced by A.
Protein change: p.His1505Asn; replaces histidine 1505 with asparagine.
Molecular consequence: missense variant. On other transcripts: 3 prime UTR variant (1).
Genome position (GRCh38, 1-based): chr12:21,801,181, G>T on the plus strand (C>A on the coding strand, the complement: ABCC9 is on the minus strand). VCF-style: chr12-21801181-G-T. GRCh37 (hg19) VCF-style: chr12-21954115-G-T.
Other names: c.4513C>A, p.His1505Asn (NM_001377273.1); c.3646C>A, p.His1216Asn (NM_001377274.1); c.*39C>A (NM_005691.4); short protein forms H1216N, H1505N.
Identifiers: ClinVar variation 3767526 (VCV003767526.1).
Genomic context (GRCh38, chr12:21,801,181, plus strand): 5'-AAATATTTCCTCGCTTCATCACAATAACCAGGTCTGCCGTCAGAATAGTGTGTACTCGAT[G>T]CTGTGAGTGAAAAGAAAACATGTATTTGTTACACATTTCAGGGCACACGCCAAAACAATG-3'
Protein context (NP_064693.2, residues 1495-1515): FADRTVVTIA[His1505Asn]RVHTILTADL

ClinVar aggregate classification (germline): Uncertain significance (1 of 4 stars; one submission).

Submission:

GeneDx
Classification: Uncertain significance. Last evaluated: 2024-09-09. Review status: criteria provided, single submitter. Criteria: GeneDx Variant Classification Process June 2021. Collection method: clinical testing. Allele origin: germline. Affected: yes.
Comment: Not observed at significant frequency in large population cohorts (gnomAD); In silico analysis supports that this missense variant has a deleterious effect on protein structure/function; Has not been previously published as pathogenic or benign to our knowledge